The following is an entry in ClinVar:

ClinVar aggregate classification (germline): Uncertain significance (1 of 4 stars; one submission).

gnomAD v4.1: 1 of 1,614,134 alleles (0.000062%); highest among the groups gnomAD compares: Non-Finnish European, 0.000085%; no homozygotes.

Submission:

Labcorp Genetics (formerly Invitae), Labcorp
Classification: Uncertain significance. Last evaluated: 2024-02-20. Review status: criteria provided, single submitter. Criteria: Invitae Variant Classification Sherloc (09022015). Collection method: clinical testing. Allele origin: germline.
Comment: This sequence change replaces arginine, which is basic and polar, with lysine, which is basic and polar, at codon 266 of the COL2A1 protein (p.Arg266Lys). This variant is not present in population databases (gnomAD no frequency). This variant has not been reported in the literature in individuals affected with COL2A1-related conditions. Advanced modeling of protein sequence and biophysical properties (such as structural, functional, and spatial information, amino acid conservation, physicochemical variation, residue mobility, and thermodynamic stability) performed at Invitae indicates that this missense variant is not expected to disrupt COL2A1 protein function with a negative predictive value of 80%. In summary, the available evidence is currently insufficient to determine the role of this variant in disease. Therefore, it has been classified as a Variant of Uncertain Significance.

NM_001844.5(COL2A1):c.797G>A (p.Arg266Lys)

Gene: COL2A1 (collagen type II alpha 1 chain; minus strand). Cytogenetic location: 12q13.11.
Variant type: single nucleotide variant.
Coding change: c.797G>A on transcript NM_001844.5 (MANE Select); coding-DNA position 797, G replaced by A.
Protein change: p.Arg266Lys; replaces arginine 266 with lysine.
Molecular consequence: missense variant.
Genome position (GRCh38, 1-based): chr12:47,994,443, C>T on the plus strand (G>A on the coding strand, the complement: COL2A1 is on the minus strand). VCF-style: chr12-47994443-C-T. GRCh37 (hg19) VCF-style: chr12-48388226-C-T.
Other names: c.590G>A, p.Arg197Lys (NM_033150.3); short protein forms R197K, R266K.
Identifiers: ClinVar variation 3676809 (VCV003676809.2).